The following is an entry in ClinVar:

ClinVar aggregate classification (germline): Uncertain significance (1 of 4 stars; one submission).

Allele frequency attached by ClinVar (database versions not stated): ExAC 0.00001; gnomAD exomes 0.00001; TOPMed 0.00003; gnomAD 0.00005.
gnomAD v4.1: 23 of 1,596,038 alleles (0.0014%); highest among the groups gnomAD compares: Middle Eastern, 0.017%; no homozygotes.

Submission:

Labcorp Genetics (formerly Invitae), Labcorp
Classification: Uncertain significance. Last evaluated: 2024-08-26. Review status: criteria provided, single submitter. Criteria: Invitae Variant Classification Sherloc (09022015). Collection method: clinical testing. Allele origin: germline.
Comment: This sequence change replaces arginine, which is basic and polar, with cysteine, which is neutral and slightly polar, at codon 1282 of the BRD4 protein (p.Arg1282Cys). The frequency data for this variant in the population databases is considered unreliable, as metrics indicate poor data quality at this position in the gnomAD database. This variant has not been reported in the literature in individuals affected with BRD4-related conditions. An algorithm developed to predict the effect of missense changes on protein structure and function (PolyPhen-2) suggests that this variant is likely to be tolerated. In summary, the available evidence is currently insufficient to determine the role of this variant in disease. Therefore, it has been classified as a Variant of Uncertain Significance.

NM_001379291.1(BRD4):c.3844C>T (p.Arg1282Cys)

Gene: BRD4 (bromodomain containing 4; minus strand). Cytogenetic location: 19p13.12.
Variant type: single nucleotide variant.
Coding change: c.3844C>T on transcript NM_001379291.1 (MANE Select); coding-DNA position 3844, C replaced by T.
Protein change: p.Arg1282Cys; replaces arginine 1282 with cysteine.
Molecular consequence: missense variant.
Genome position (GRCh38, 1-based): chr19:15,238,919, G>A on the plus strand (C>T on the coding strand, the complement: BRD4 is on the minus strand). VCF-style: chr19-15238919-G-A. GRCh37 (hg19) VCF-style: chr19-15349730-G-A.
Other names: c.3844C>T, p.Arg1282Cys (NM_058243.3); short protein forms R1282C.
Identifiers: ClinVar variation 2868315 (VCV002868315.3), dbSNP rs750347317, ClinGen allele CA9264508.